The following is an entry in ClinVar:

ClinVar aggregate classification (germline): Uncertain significance (1 of 4 stars; one submission).

Conditions:
Spastic paraplegia. Identifiers: MedGen C0037772, HP:0001258.

gnomAD v4.1: 5 of 1,611,816 alleles (0.00031%); highest among the groups gnomAD compares: African/African-American, 0.0027%; no homozygotes.

Submission:

Labcorp Genetics (formerly Invitae), Labcorp
Classification: Uncertain significance for Spastic paraplegia. Last evaluated: 2024-06-04. Review status: criteria provided, single submitter. Criteria: Invitae Variant Classification Sherloc (09022015). Collection method: clinical testing. Allele origin: germline.
Comment: This sequence change replaces threonine, which is neutral and polar, with asparagine, which is neutral and polar, at codon 353 of the ARSI protein (p.Thr353Asn). This variant is not present in population databases (gnomAD no frequency). This variant has not been reported in the literature in individuals affected with ARSI-related conditions. Advanced modeling of protein sequence and biophysical properties (such as structural, functional, and spatial information, amino acid conservation, physicochemical variation, residue mobility, and thermodynamic stability) performed at Invitae indicates that this missense variant is expected to disrupt ARSI protein function with a positive predictive value of 80%. In summary, the available evidence is currently insufficient to determine the role of this variant in disease. Therefore, it has been classified as a Variant of Uncertain Significance.

NM_001012301.4(ARSI):c.1058C>A (p.Thr353Asn)

Gene: ARSI (arylsulfatase family member I; minus strand). Cytogenetic location: 5q32.
Variant type: single nucleotide variant.
Coding change: c.1058C>A on transcript NM_001012301.4 (MANE Select); coding-DNA position 1058, C replaced by A.
Protein change: p.Thr353Asn; replaces threonine 353 with asparagine.
Molecular consequence: missense variant.
Genome position (GRCh38, 1-based): chr5:150,297,866, G>T on the plus strand (C>A on the coding strand, the complement: ARSI is on the minus strand). VCF-style: chr5-150297866-G-T. GRCh37 (hg19) VCF-style: chr5-149677429-G-T.
Other names: short protein forms T353N.
Identifiers: ClinVar variation 3605285 (VCV003605285.2).
Genomic context (GRCh38, chr5:150,297,866, plus strand): 5'-ACGTCGTAGCCATCTAGCCCATCGGCTGCTGAGGTGGTACCACCTGCCAGACCCACCAGG[G>T]TCGGGTACCAGTCAGTGATGTGCATCAGTGCCCGGCTTGTCCGTTGCTTTCGCTTGAGCA-3'
Protein context (NP_001012301.1, residues 343-363): ALMHITDWYP[Thr353Asn]LVGLAGGTTS